The following is an entry in ClinVar:

NM_006904.7(PRKDC):c.9287T>A (p.Val3096Asp)

Gene: PRKDC (protein kinase, DNA-activated, catalytic subunit; minus strand). Cytogenetic location: 8q11.21.
Variant type: single nucleotide variant.
Coding change: c.9287T>A on transcript NM_006904.7 (MANE Select); coding-DNA position 9287, T replaced by A.
Protein change: p.Val3096Asp; replaces valine 3096 with aspartic acid.
Molecular consequence: missense variant.
Genome position (GRCh38, 1-based): chr8:47,820,768, A>T on the plus strand (T>A on the coding strand, the complement: PRKDC is on the minus strand). VCF-style: chr8-47820768-A-T. GRCh37 (hg19) VCF-style: chr8-48733329-A-T.
Other names: c.9287T>A, p.Val3096Asp (NM_001081640.2); short protein forms V3096D.
Identifiers: ClinVar variation 1360923 (VCV001360923.6), dbSNP rs2087573873, ClinGen allele CA371139374.

ClinVar aggregate classification (germline): Uncertain significance (1 of 4 stars; one submission).

Conditions:
Severe combined immunodeficiency due to DNA-PKcs deficiency. Also called: IMMUNODEFICIENCY 26 WITH NEUROLOGIC ABNORMALITIES; Immunodeficiency 26 with or without neurologic abnormalities. Identifiers: Orphanet 317425, MedGen C4014833, MONDO:0014423, OMIM 615966.

Allele frequency attached by ClinVar (database versions not stated): TOPMed below 0.00001.

Submission:

Labcorp Genetics (formerly Invitae), Labcorp
Classification: Uncertain significance for Severe combined immunodeficiency due to DNA-PKcs deficiency. Last evaluated: 2021-12-02. Review status: criteria provided, single submitter. Criteria: Invitae Variant Classification Sherloc (09022015). Collection method: clinical testing. Allele origin: germline.
Comment: This sequence change replaces valine, which is neutral and non-polar, with aspartic acid, which is acidic and polar, at codon 3096 of the PRKDC protein (p.Val3096Asp). This variant is not present in population databases (gnomAD no frequency). This variant has not been reported in the literature in individuals affected with PRKDC-related conditions. Experimental studies and prediction algorithms are not available or were not evaluated, and the functional significance of this variant is currently unknown. In summary, the available evidence is currently insufficient to determine the role of this variant in disease. Therefore, it has been classified as a Variant of Uncertain Significance.